The following is an entry in ClinVar:

NM_016169.4(SUFU):c.258G>A (p.Glu86=)

Gene: SUFU (SUFU negative regulator of hedgehog signaling; plus strand). Cytogenetic location: 10q24.32.
Variant type: single nucleotide variant.
Coding change: c.258G>A on transcript NM_016169.4 (MANE Select); coding-DNA position 258, G replaced by A.
Protein change: p.Glu86=; no amino-acid change (glutamic acid 86 retained).
Molecular consequence: synonymous variant.
Genome position (GRCh38, 1-based): chr10:102,509,244, G>A. VCF-style: chr10-102509244-G-A. GRCh37 (hg19) VCF-style: chr10-104269001-G-A.
Other names: c.258G>A (NM_016169.3); c.258G>A, p.Glu86= (NM_001178133.2).
Identifiers: ClinVar variation 1146157 (VCV001146157.31), dbSNP rs1183328233, ClinGen allele CA471305369.

ClinVar aggregate classification (germline): Likely benign. Review status: criteria provided, multiple submitters, no conflicts (2 of 4 stars). 3 submissions from 3 submitters: Likely benign (3). Last evaluated 2025-09-11.

Conditions:
Gorlin syndrome. Also called: Nevoid Basal Cell Carcinoma Syndrome; Basal cell nevus syndrome. Identifiers: Orphanet 377, MedGen C0004779, MONDO:0007187.
Medulloblastoma (MDB). Also called: MEDULLOBLASTOMA PREDISPOSITION SYNDROME; Medulloblastoma, somatic. Identifiers: Orphanet 616, MedGen C0025149, MeSH D008527, MONDO:0007959, OMIM 155255, HP:0002885.
Hereditary cancer-predisposing syndrome. Also called: Tumor predisposition; Hereditary neoplastic syndrome; Hereditary Cancer Syndrome; Neoplastic Syndromes, Hereditary. Identifiers: Orphanet 140162, MedGen C0027672, MeSH D009386, MONDO:0015356.

Allele frequency attached by ClinVar (database versions not stated): gnomAD exomes below 0.00001; TOPMed below 0.00001.
gnomAD v4.1: 4 of 1,614,174 alleles (0.00025%); highest among the groups gnomAD compares: Non-Finnish European, 0.00034%; no homozygotes.

Submissions (3):

Labcorp Genetics (formerly Invitae), Labcorp
Classification: Likely benign for Gorlin syndrome; Medulloblastoma. Last evaluated: 2025-09-11. Review status: criteria provided, single submitter. Criteria: Invitae Variant Classification Sherloc (09022015). Collection method: clinical testing. Allele origin: germline.

CeGaT Center for Human Genetics Tuebingen
Classification: Likely benign. Last evaluated: 2024-03-01. Review status: criteria provided, single submitter. Criteria: CeGaT Center For Human Genetics Tuebingen Variant Classification Criteria Version 2. Collection method: clinical testing. Allele origin: germline. Affected: yes. Observed: 1 variant allele.
Comment: SUFU: BP4, BP7

Ambry Genetics
Classification: Likely benign for Hereditary cancer-predisposing syndrome. Last evaluated: 2022-11-05. Review status: criteria provided, single submitter. Criteria: Ambry Variant Classification Scheme 2023. Collection method: clinical testing. Allele origin: germline.